The following is an entry in ClinVar:

ClinVar aggregate classification (germline): Benign/Likely benign. Review status: criteria provided, multiple submitters, no conflicts (2 of 4 stars). 4 submissions from 4 submitters: Benign (1); Likely benign (3). Last evaluated 2025-08-09.

Conditions:
Hereditary cancer-predisposing syndrome. Also called: Hereditary Cancer Syndrome; Hereditary neoplastic syndrome; Neoplastic Syndromes, Hereditary; Tumor predisposition. Identifiers: Orphanet 140162, MedGen C0027672, MeSH D009386, MONDO:0015356.
Multiple endocrine neoplasia, type 2 (MEN2). Identifiers: Orphanet 653, MedGen C4048306, MONDO:0019003. Disease mechanism: gain of function.
Multiple endocrine neoplasia type 2A. Also called: MULTIPLE ENDOCRINE NEOPLASIA, TYPE IIA; PTC SYNDROME; SIPPLE SYNDROME; MEN 2A; MEN-2A syndrome; Pheochromocytoma and amyloid producing medullary thyroid carcinoma. Identifiers: Orphanet 247698, Orphanet 653, MedGen C0025268, MeSH D018813, MONDO:0008234, OMIM 171400.

Submissions (4):

Labcorp Genetics (formerly Invitae), Labcorp
Classification: Likely benign for Multiple endocrine neoplasia, type 2. Last evaluated: 2025-08-09. Review status: criteria provided, single submitter. Criteria: Invitae Variant Classification Sherloc (09022015). Collection method: clinical testing. Allele origin: germline.

Myriad Genetics, Inc.
Classification: Benign for Multiple endocrine neoplasia type 2A. Last evaluated: 2025-02-25. Review status: criteria provided, single submitter. Criteria: Myriad Autosomal Dominant, Autosomal Recessive and X-Linked Classification Criteria (2023). Collection method: clinical testing. Allele origin: unknown.
Comment: This variant is considered benign. This variant is a silent/synonymous amino acid change and it is not expected to impact splicing.

Ambry Genetics
Classification: Likely benign for Hereditary cancer-predisposing syndrome. Last evaluated: 2024-06-22. Review status: criteria provided, single submitter. Criteria: Ambry Variant Classification Scheme 2023. Collection method: clinical testing. Allele origin: germline.

CeGaT Center for Human Genetics Tuebingen
Classification: Likely benign. Last evaluated: 2020-12-01. Review status: criteria provided, single submitter. Criteria: CeGaT Center For Human Genetics Tuebingen Variant Classification Criteria Version 2. Collection method: clinical testing. Allele origin: germline. Affected: yes. Observed: 1 variant allele.

NM_020975.6(RET):c.936G>A (p.Arg312=)

Gene: RET (ret proto-oncogene; plus strand). Cytogenetic location: 10q11.21.
Variant type: single nucleotide variant.
Coding change: c.936G>A on transcript NM_020975.6 (MANE Select); coding-DNA position 936, G replaced by A.
Protein change: p.Arg312=; no amino-acid change (arginine 312 retained).
Molecular consequence: synonymous variant. On other transcripts: intron variant (25).
Genome position (GRCh38, 1-based): chr10:43,106,444, G>A. VCF-style: chr10-43106444-G-A. GRCh37 (hg19) VCF-style: chr10-43601892-G-A.
Other names: c.936G>A, p.Arg312= (NM_000323.2, NM_001406743.1, NM_001406744.1 and 6 more transcripts); c.174G>A, p.Arg58= (NM_001355216.2); c.807G>A, p.Arg269= (NM_001406761.1, NM_001406762.1, NM_001406764.1 and 1 more transcripts); c.648G>A, p.Arg216= (NM_001406766.1, NM_001406767.1, NM_001406770.1); c.867+1251G>A (NM_001406772.1, NM_001406769.1); c.626-2587G>A (NM_001406773.1, NM_001406771.1); c.625+3815G>A (NM_001406782.1, NM_001406780.1, NM_001406779.1 and 3 more transcripts); c.738+1251G>A (NM_001406774.1); and 5 more.
Identifiers: ClinVar variation 1012555 (VCV001012555.42), dbSNP rs1837778702, ClinGen allele CA469023698.